The following is an entry in ClinVar:

NC_000004.11:g.(170557240_170601200)_(170644825_?)del

Gene: CLCN3 (chloride voltage-gated channel 3; plus strand). Cytogenetic location: 4q33.
Variant type: Deletion.
Identifiers: ClinVar variation 3233975 (VCV003233975.2).

ClinVar aggregate classification (germline): Uncertain significance (1 of 4 stars; one submission).

Submission:

Women's Health and Genetics/Laboratory Corporation of America, LabCorp
Classification: Uncertain significance. Last evaluated: 2024-03-29. Review status: criteria provided, single submitter. Criteria: LabCorp Variant Classification Summary - May 2015. Collection method: clinical testing. Allele origin: germline.
Comment: Variant summary: The variant involves the deletion of exons 3-14 in the CLCN3 gene, a gene for which loss-of-function is not a known mechanism of disease. A presumed nomenclature of c.(160+1_161-1)_(*3609_?)del has been designated for the purposes of this classification. The exact breakpoint at the distal 3' end of this variant is unknown, therefore this deletion may extend downstream of the annotated region of the gene. As it encompasses the termination codon, it is predicted to escape nonsense mediated decay (NMD). The variant was absent in 21684 control chromosomes (gnomAD, Structural Variants Dataset). The available data on variant occurrences in the general population are insufficient to allow any conclusion about variant significance. To our knowledge, no occurrence of c.(160+1_161-1)_(*3609_?)del in individuals affected with CLCN3-Related Disorders and no experimental evidence demonstrating its impact on protein function have been reported. No submitters have cited clinical-significance assessments for this variant to ClinVar. Based on the evidence outlined above, the variant was classified as uncertain significance.